The following is an entry in ClinVar:

NM_001035.3(RYR2):c.4114A>C (p.Asn1372His)

Genes: RYR2 (ryanodine receptor 2; plus strand), LOC126806067 (BRD4-independent group 4 enhancer GRCh37_chr1:237753258-237754457; plus strand). Cytogenetic location: 1q43.
Variant type: single nucleotide variant.
Coding change: c.4114A>C on transcript NM_001035.3 (MANE Select); coding-DNA position 4114, A replaced by C.
Protein change: p.Asn1372His; replaces asparagine 1372 with histidine.
Molecular consequence: missense variant.
Genome position (GRCh38, 1-based): chr1:237,590,946, A>C. VCF-style: chr1-237590946-A-C. GRCh37 (hg19) VCF-style: chr1-237754246-A-C.
Other names: short protein forms N1372H.
Identifiers: ClinVar variation 2806298 (VCV002806298.3), dbSNP rs1272694571, ClinGen allele CA345397775.
Genomic context (GRCh38, chr1:237,590,946, plus strand): 5'-GGCCATCTAGTGCCCGATCGTGTTGACAAAGACAAAGAAGCTACTAAACCAGAGTTTAAC[A>C]ACCACAAAGATTATGCCCAGGAAAAGCCCTCTCGTCTGAAACAAAGGTTACTAATTTATA-3'
Protein context (NP_001026.2, residues 1362-1382): DKEATKPEFN[Asn1372His]HKDYAQEKPS

ClinVar aggregate classification (germline): Uncertain significance (1 of 4 stars; one submission).

Conditions:
Catecholaminergic polymorphic ventricular tachycardia 1. Also called: RYR2-Related Catecholaminergic Polymorphic Ventricular Tachycardia; VENTRICULAR TACHYCARDIA, CATECHOLAMINERGIC POLYMORPHIC, 1, WITH OR WITHOUT ATRIAL DYSFUNCTION AND/OR DILATED CARDIOMYOPATHY; VENTRICULAR TACHYCARDIA, STRESS-INDUCED POLYMORPHIC 1. Identifiers: Orphanet 3286, MedGen C1631597, MONDO:0011484, OMIM 604772.

Submission:

Labcorp Genetics (formerly Invitae), Labcorp
Classification: Uncertain significance for Catecholaminergic polymorphic ventricular tachycardia 1. Last evaluated: 2022-11-24. Review status: criteria provided, single submitter. Criteria: Invitae Variant Classification Sherloc (09022015). Collection method: clinical testing. Allele origin: germline.
Comment: This sequence change replaces asparagine, which is neutral and polar, with histidine, which is basic and polar, at codon 1372 of the RYR2 protein (p.Asn1372His). This variant is not present in population databases (gnomAD no frequency). This variant has not been reported in the literature in individuals affected with RYR2-related conditions. Advanced modeling of protein sequence and biophysical properties (such as structural, functional, and spatial information, amino acid conservation, physicochemical variation, residue mobility, and thermodynamic stability) performed at Invitae indicates that this missense variant is not expected to disrupt RYR2 protein function. In summary, the available evidence is currently insufficient to determine the role of this variant in disease. Therefore, it has been classified as a Variant of Uncertain Significance.